The following is an entry in ClinVar:

NM_206937.2(LIG4):c.1973del (p.Ile658fs)

Gene: LIG4 (DNA ligase 4; minus strand). Cytogenetic location: 13q33.3.
Variant type: Deletion.
Coding change: c.1973del on transcript NM_206937.2 (MANE Select); coding-DNA position 1973, one base deleted (T; older notation c.1973delT).
Protein change: p.Ile658fs; shifts the reading frame from isoleucine 658.
Molecular consequence: frameshift variant.
Genome position (GRCh38, 1-based): chr13:108,209,296, A deleted on the plus strand (T on the coding strand, the reverse complement: LIG4 is on the minus strand). VCF-style (leftmost placement, unchanged base first): chr13-108209295-TA-T. GRCh37 (hg19) VCF-style: chr13-108861643-TA-T.
Other names: c.1973del, p.Ile658fs (NM_001098268.2, NM_001352598.2, NM_001352599.2 and 6 more transcripts); c.1772del, p.Ile591fs (NM_001330595.2); c.2009del, p.Ile670fs (NM_001352604.2); short protein forms I658fs, I591fs, I670fs.
Identifiers: ClinVar variation 2830466 (VCV002830466.3), dbSNP rs2501588488, ClinGen allele CA2623644104.

ClinVar aggregate classification (germline): Pathogenic (1 of 4 stars; one submission).

Conditions:
DNA ligase IV deficiency. Identifiers: Orphanet 99812, MedGen C1847827, MONDO:0011686, OMIM 606593.

Allele frequency attached by ClinVar (database versions not stated): gnomAD exomes below 0.00001.

Submission:

Labcorp Genetics (formerly Invitae), Labcorp
Classification: Pathogenic for DNA ligase IV deficiency. Last evaluated: 2023-01-20. Review status: criteria provided, single submitter. Criteria: Invitae Variant Classification Sherloc (09022015). Collection method: clinical testing. Allele origin: germline.
Comment: This variant disrupts a region of the LIG4 protein in which other variant(s) (p.Arg814*) have been determined to be pathogenic (PMID: 11779494, 16088910, 24123394, 25239263). This suggests that this is a clinically significant region of the protein, and that variants that disrupt it are likely to be disease-causing. This variant has not been reported in the literature in individuals affected with LIG4-related conditions. This variant is not present in population databases (gnomAD no frequency). This sequence change creates a premature translational stop signal (p.Ile658Asnfs*5) in the LIG4 gene. While this is not anticipated to result in nonsense mediated decay, it is expected to disrupt the last 254 amino acid(s) of the LIG4 protein. For these reasons, this variant has been classified as Pathogenic.

Literature cited by the submitters: PubMed 11779494; PubMed 16088910; PubMed 24123394; PubMed 25239263.